The following is an entry in ClinVar:

NM_004134.7(HSPA9):c.662A>G (p.Asn221Ser)

Gene: HSPA9 (heat shock protein family A (Hsp70) member 9; minus strand). Cytogenetic location: 5q31.2.
Variant type: single nucleotide variant.
Coding change: c.662A>G on transcript NM_004134.7 (MANE Select); coding-DNA position 662, A replaced by G.
Protein change: p.Asn221Ser; replaces asparagine 221 with serine.
Molecular consequence: missense variant.
Genome position (GRCh38, 1-based): chr5:138,567,509, T>C on the plus strand (A>G on the coding strand, the complement: HSPA9 is on the minus strand). VCF-style: chr5-138567509-T-C. GRCh37 (hg19) VCF-style: chr5-137903198-T-C.
Other names: short protein forms N221S.
Identifiers: ClinVar variation 3069021 (VCV003069021.2), dbSNP rs1750791523, ClinGen allele CA361118886.

ClinVar aggregate classification (germline): Uncertain significance (1 of 4 stars; one submission).

Allele frequency attached by ClinVar (database versions not stated): TOPMed below 0.00001; gnomAD exomes 0.00001.
gnomAD v4.1: 17 of 1,614,220 alleles (0.0011%); highest among the groups gnomAD compares: Non-Finnish European, 0.0014%; no homozygotes.

Submission:

Women's Health and Genetics/Laboratory Corporation of America, LabCorp
Classification: Uncertain significance. Last evaluated: 2024-02-07. Review status: criteria provided, single submitter. Criteria: LabCorp Variant Classification Summary - May 2015. Collection method: clinical testing. Allele origin: germline.
Comment: Variant summary: HSPA9 c.662A>G (p.Asn221Ser) results in a conservative amino acid change in the encoded protein sequence. Three of five in-silico tools predict a damaging effect of the variant on protein function. The variant was absent in 251394 control chromosomes. The available data on variant occurrences in the general population are insufficient to allow any conclusion about variant significance. To our knowledge, no occurrence of c.662A>G in individuals affected with HSPA9-Related Disorders and no experimental evidence demonstrating its impact on protein function have been reported. No submitters have cited clinical-significance assessments for this variant to ClinVar. Based on the evidence outlined above, the variant was classified as uncertain significance.